The following is an entry in ClinVar:

NM_172245.4(CSF2RA):c.780+4G>A

Gene: CSF2RA (colony stimulating factor 2 receptor subunit alpha; plus strand). Cytogenetic location: Xp22.33.
Variant type: single nucleotide variant.
Coding change: c.780+4G>A on transcript NM_172245.4 (MANE Select); 4 bases into the intron after coding-DNA position 780, G replaced by A.
Molecular consequence: intron variant.
Genome position (GRCh38, 1-based): chrX:1,294,465, G>A. VCF-style: chrX-1294465-G-A. GRCh37 (hg19) VCF-style: chrX-1413358-G-A.
Other names: c.780+4G>A (NM_001379163.1, NM_001379159.1, NM_001379162.1 and 18 more transcripts); c.646+3956G>A (NM_172249.4); c.761+4G>A (NM_001379166.1); c.381+4G>A (NM_001161532.2).
Identifiers: ClinVar variation 840750 (VCV000840750.4), dbSNP rs1467836447, ClinGen allele CA640154222.

ClinVar aggregate classification (germline): Uncertain significance (1 of 4 stars; one submission).

Conditions:
Surfactant metabolism dysfunction, pulmonary, 4 (SMDP4). Also called: CSF2RA DEFICIENCY; PAP DUE TO CSF2RA DEFICIENCY; PULMONARY ALVEOLAR PROTEINOSIS, CONGENITAL, 4. Identifiers: Orphanet 264675, MedGen C2677877, MONDO:0010424, OMIM 300770.

Allele frequency attached by ClinVar (database versions not stated): gnomAD 0.00001.
gnomAD v4.1: 23 of 1,613,652 alleles (0.0014%); highest among the groups gnomAD compares: South Asian, 0.0055%; no homozygotes.

Submission:

Labcorp Genetics (formerly Invitae), Labcorp
Classification: Uncertain significance for Surfactant metabolism dysfunction, pulmonary, 4. Last evaluated: 2021-04-23. Review status: criteria provided, single submitter. Criteria: Invitae Variant Classification Sherloc (09022015). Collection method: clinical testing. Allele origin: germline.
Comment: This sequence change falls in intron 8 of the CSF2RA gene. It does not directly change the encoded amino acid sequence of the CSF2RA protein, but it affects a nucleotide within the consensus splice site of the intron. In summary, the available evidence is currently insufficient to determine the role of this variant in disease. Therefore, it has been classified as a Variant of Uncertain Significance. Nucleotide substitutions within the consensus splice site are a relatively common cause of aberrant splicing (PMID: 17576681, 9536098). Algorithms developed to predict the effect of sequence changes on RNA splicing suggest that this variant is not likely to affect RNA splicing, but this prediction has not been confirmed by published transcriptional studies. This variant has not been reported in the literature in individuals with CSF2RA-related conditions. This variant is not present in population databases (ExAC no frequency).

Literature cited by the submitters: PubMed 17576681; PubMed 9536098.